The following is an entry in ClinVar:

NM_000155.4(GALT):c.1017C>A (p.Tyr339Ter)

Gene: GALT (galactose-1-phosphate uridylyltransferase; plus strand). Cytogenetic location: 9p13.3.
Variant type: single nucleotide variant.
Coding change: c.1017C>A on transcript NM_000155.4 (MANE Select); coding-DNA position 1017, C replaced by A.
Protein change: p.Tyr339Ter; replaces tyrosine 339 with a stop codon.
Molecular consequence: nonsense.
Genome position (GRCh38, 1-based): chr9:34,649,522, C>A. VCF-style: chr9-34649522-C-A. GRCh37 (hg19) VCF-style: chr9-34649519-C-A.
Other names: c.690C>A, p.Tyr230Ter (NM_001258332.2); short protein forms Y230*, Y339*.
Identifiers: ClinVar variation 5004925 (VCV005004925.1).

ClinVar aggregate classification (germline): Pathogenic (1 of 4 stars; one submission).

Conditions:
Deficiency of UDPglucose-hexose-1-phosphate uridylyltransferase. Also called: GALACTOSE-1-PHOSPHATE URIDYLYLTRANSFERASE DEFICIENCY; GALT deficiency; Galactosemia, classic; GALACTOSEMIA I; Transferase Deficiency Galactosemia. Identifiers: Orphanet 352, Orphanet 79239, MedGen C0268151, MONDO:0009258, OMIM 230400.

Submission:

Myriad Genetics, Inc.
Classification: Pathogenic for Deficiency of UDPglucose-hexose-1-phosphate uridylyltransferase. Last evaluated: 2026-04-07. Review status: criteria provided, single submitter. Criteria: Myriad Autosomal Dominant, Autosomal Recessive and X-Linked Classification Criteria (2023). Collection method: clinical testing. Allele origin: unknown.
Comment: NM_000155.3(GALT):c.1017C>A(Y339*) is a nonsense variant classified as pathogenic in the context of galactosemia. Y339* has been observed in a case with relevant disease (PMID: 22944367). Relevant functional assessments of this variant are not available in the literature. Y339* has not been observed in referenced population frequency databases. In summary, NM_000155.3(GALT):c.1017C>A(Y339*) is a nonsense variant in a gene where loss of function is a known mechanism of disease, is predicted to disrupt protein function, and has been observed more frequently in cases with the relevant disease than in healthy populations. Please note: this variant was assessed in the context of healthy population screening.

Literature cited by the submitters: PubMed 22944367.